The following is an entry in ClinVar:

NM_052989.3(IFT122):c.748del (p.Arg250fs)

Gene: IFT122 (intraflagellar transport 122; plus strand). Cytogenetic location: 3q21.3.
Variant type: Deletion.
Coding change: c.748del on transcript NM_052989.3 (MANE Select); coding-DNA position 748, one base deleted (C; older notation c.748delC).
Protein change: p.Arg250fs; shifts the reading frame from arginine 250.
Molecular consequence: frameshift variant.
Genome position (GRCh38, 1-based): chr3:129,469,349, C deleted. VCF-style (leftmost placement, unchanged base first): chr3-129469348-AC-A. GRCh37 (hg19) VCF-style: chr3-129188191-AC-A.
Other names: c.724del, p.Arg242fs (NM_001280541.2); c.298del, p.Arg100fs (NM_001280545.2); c.121del, p.Arg41fs (NM_001280546.2); c.748del, p.Arg250fs (NM_001410808.1, NM_001410809.1); c.571del, p.Arg191fs (NM_001410810.1, NM_001410811.1, NM_001410813.1 and 1 more transcripts); c.415del, p.Arg139fs (NM_001410815.1, NM_001410817.1, NM_052990.3); c.901del, p.Arg301fs (NM_052985.4); c.901delC (NM_052985.4); short protein forms R100fs, R139fs, R191fs, R242fs, R250fs, R301fs, R41fs.
Identifiers: ClinVar variation 3896088 (VCV003896088.1).

ClinVar aggregate classification (germline): Pathogenic (1 of 4 stars; one submission).

Conditions:
Cranioectodermal dysplasia 1 (CED1). Also called: LEVIN SYNDROME I. Identifiers: Orphanet 1515, MedGen C0432235, MONDO:0021093, OMIM 218330.

Submission:

Women's Health and Genetics/Laboratory Corporation of America, LabCorp
Classification: Pathogenic for Cranioectodermal dysplasia 1. Last evaluated: 2025-03-19. Review status: criteria provided, single submitter. Criteria: LabCorp Variant Classification Summary - May 2015. Collection method: clinical testing. Allele origin: germline.
Comment: Variant summary: IFT122 c.901delC (p.Arg301ValfsX19) results in a premature termination codon, predicted to cause a truncation of the encoded protein or absence of the protein due to nonsense mediated decay, which are commonly known mechanisms for disease. The variant was absent in 251488 control chromosomes. To our knowledge, no occurrence of c.901delC in individuals affected with Cranioectodermal Dysplasia 1 and no experimental evidence demonstrating its impact on protein function have been reported. No submitters have cited clinical-significance assessments for this variant to ClinVar. Based on the evidence outlined above, the variant was classified as pathogenic.